The following is an entry in ClinVar:

ClinVar aggregate classification (germline): Benign (1 of 4 stars; one submission).

Allele frequency attached by ClinVar (database versions not stated): 1000 Genomes Project 0.05970; 1000 Genomes Project 30x 0.06027; TOPMed 0.08649; gnomAD 0.08986; gnomAD exomes 0.11698; ExAC 0.13455.
gnomAD v4.1: 151,524 of 1,332,518 alleles (11%); highest among the groups gnomAD compares: Non-Finnish European, 13%; 9,453 homozygotes.

Submission:

Unidad de Genómica Garrahan, Hospital de Pediatría Garrahan
Classification: Benign. Last evaluated: 2024-01-24. Review status: criteria provided, single submitter. Criteria: ACMG Guidelines, 2015. Collection method: clinical testing. Allele origin: germline. Affected: no. Observed: 18 variant alleles.
Comment: This variant is classified as Benign based on local population frequency. This variant was detected in 20% of patients studied by a panel of primary immunodeficiencies. Number of patients: 18. Only high quality variants are reported.

NM_001040458.3(ERAP1):c.*295A>C

Gene: ERAP1 (endoplasmic reticulum aminopeptidase 1; minus strand). Cytogenetic location: 5q15.
Variant type: single nucleotide variant.
Coding change: c.*295A>C on transcript NM_001040458.3 (MANE Select); 295 bases downstream of the stop codon, A replaced by C.
Molecular consequence: 3 prime UTR variant. On other transcripts: intron variant (2).
Genome position (GRCh38, 1-based): chr5:96,776,101, T>G on the plus strand (A>C on the coding strand, the complement: ERAP1 is on the minus strand). VCF-style: chr5-96776101-T-G. GRCh37 (hg19) VCF-style: chr5-96111805-T-G.
Other names: c.*295A>C (NM_001198541.3); c.2818+303A>C (NM_001349244.2, NM_016442.5).
Identifiers: ClinVar variation 2688514 (VCV002688514.2), dbSNP rs112855255, ClinGen allele CA3351771.